The following is an entry in ClinVar:

ClinVar aggregate classification (germline): Benign. Review status: criteria provided, multiple submitters, no conflicts (2 of 4 stars). 7 submissions from 6 submitters: Benign (6). 1 of the submissions does not count toward it. Last evaluated 2026-01-11.

Conditions:
Emery-Dreifuss muscular dystrophy 4, autosomal dominant (EDMD4). Also called: EMERY-DREIFUSS MUSCULAR DYSTROPHY 4 WITH VARIABLE FEATURES. Identifiers: Orphanet 261, MedGen C2751807, MONDO:0013071, OMIM 612998.
Autosomal recessive ataxia, Beauce type. Also called: SYNE1-Related Autosomal Recessive Cerebellar Ataxia; ATAXIA, RECESSIVE, OF BEAUCE; Spinocerebellar ataxia, autosomal recessive 8; SYNE1 Deficiency. Identifiers: Orphanet 88644, MedGen C1853116, MONDO:0012549, OMIM 610743.

Allele frequency attached by ClinVar (database versions not stated): gnomAD 0.00592 and 0.00633; 1000 Genomes Project 0.00599; 1000 Genomes Project 30x 0.00609; gnomAD exomes 0.00059 and 0.00158; ExAC 0.00199; TOPMed 0.00692; ESP Exome Variant Server 0.00692.
gnomAD v4.1: 1,796 of 1,613,574 alleles (0.11%); highest among the groups gnomAD compares: African/African-American, 2.1%; 15 homozygotes.

Submissions (7):

Labcorp Genetics (formerly Invitae), Labcorp
Classification: Benign for Emery-Dreifuss muscular dystrophy 4, autosomal dominant; Autosomal recessive ataxia, Beauce type. Last evaluated: 2026-01-11. Review status: criteria provided, single submitter. Criteria: Invitae Variant Classification Sherloc (09022015). Collection method: clinical testing. Allele origin: germline.

Mayo Clinic Laboratories, Mayo Clinic
Classification: Benign. Last evaluated: 2019-05-06. Review status: criteria provided, single submitter. Criteria: ACMG Guidelines, 2015. Collection method: clinical testing. Allele origin: germline. Observed: 6 variant alleles.

Athena Diagnostics
Classification: Benign. Last evaluated: 2018-12-27. Review status: criteria provided, single submitter. Criteria: Athena Diagnostics Criteria. Collection method: clinical testing. Allele origin: germline.

Illumina Laboratory Services, Illumina
Classification: Benign for Emery-Dreifuss muscular dystrophy 4, autosomal dominant. Last evaluated: 2018-01-13. Review status: criteria provided, single submitter. Criteria: ICSL Variant Classification Criteria 13 December 2019. Collection method: clinical testing. Allele origin: germline.
Comment: This variant was observed in the ICSL laboratory as part of a predisposition screen in an ostensibly healthy population. It had not been previously curated by ICSL or reported in the Human Gene Mutation Database (HGMD: prior to June 1st, 2018), and was therefore a candidate for classification through an automated scoring system. Utilizing variant allele frequency, disease prevalence and penetrance estimates, and inheritance mode, an automated score was calculated to assess if this variant is too frequent to cause the disease. Based on the score and internal cut-off values, a variant classified as benign is not then subjected to further curation. The score for this variant resulted in a classification of benign for this disease.

Illumina Laboratory Services, Illumina
Classification: Benign for Autosomal recessive ataxia, Beauce type. Last evaluated: 2018-01-13. Review status: criteria provided, single submitter. Criteria: ICSL Variant Classification Criteria 13 December 2019. Collection method: clinical testing. Allele origin: germline.
Comment: the same text as in the submission from Illumina Laboratory Services, Illumina above.

GeneDx
Classification: Benign. Last evaluated: 2017-06-16. Review status: criteria provided, single submitter. Criteria: GeneDx Variant Classification (06012015). Collection method: clinical testing. Allele origin: germline. Affected: yes.
Comment: This variant is considered likely benign or benign based on one or more of the following criteria: it is a conservative change, it occurs at a poorly conserved position in the protein, it is predicted to be benign by multiple in silico algorithms, and/or has population frequency not consistent with disease.

Genetic Services Laboratory, University of Chicago
Classification: Likely benign for AllHighlyPenetrant. Review status: no assertion criteria provided. Collection method: clinical testing. Allele origin: germline. Inheritance: Autosomal dominant inheritance. Not counted in ClinVar's aggregate classification.
Comment: Likely benign based on allele frequency in 1000 Genomes Project or ESP global frequency and its presence in a patient with a rare or unrelated disease phenotype. NOT Sanger confirmed.

Literature cited by the submitters: PubMed 24123366 (cited by Athena Diagnostics).

NM_182961.4(SYNE1):c.3890C>T (p.Ala1297Val)

Gene: SYNE1 (spectrin repeat containing nuclear envelope protein 1; minus strand). Cytogenetic location: 6q25.2.
Variant type: single nucleotide variant.
Coding change: c.3890C>T on transcript NM_182961.4 (MANE Select); coding-DNA position 3890, C replaced by T.
Protein change: p.Ala1297Val; replaces alanine 1297 with valine.
Molecular consequence: missense variant.
Genome position (GRCh38, 1-based): chr6:152,442,193, G>A on the plus strand (C>T on the coding strand, the complement: SYNE1 is on the minus strand). VCF-style: chr6-152442193-G-A. GRCh37 (hg19) VCF-style: chr6-152763328-G-A.
Other names: p.Ala1304Val; c.3911C>T, p.Ala1304Val (NM_033071.5); short protein forms A1297V, A1304V.
Identifiers: ClinVar variation 130443 (VCV000130443.21), dbSNP rs35378260, ClinGen allele CA155471.